The following is an entry in ClinVar:

NM_021971.4(GMPPB):c.444del (p.Cys149fs)

Gene: GMPPB (GDP-mannose pyrophosphorylase B; minus strand). Cytogenetic location: 3p21.31.
Variant type: Deletion.
Coding change: c.444del on transcript NM_021971.4 (MANE Select); coding-DNA position 444, one base deleted (G; older notation c.444delG).
Protein change: p.Cys149fs; shifts the reading frame from cysteine 149.
Molecular consequence: frameshift variant.
Genome position (GRCh38, 1-based): chr3:49,722,713, C deleted on the plus strand (G on the coding strand, the reverse complement: GMPPB is on the minus strand). VCF-style (leftmost placement, unchanged base first): chr3-49722712-AC-A. GRCh37 (hg19) VCF-style: chr3-49760145-AC-A.
Other names: c.444del, p.Cys149fs (NM_013334.4); short protein forms C149fs.
Identifiers: ClinVar variation 3750006 (VCV003750006.2).

ClinVar aggregate classification (germline): Pathogenic (1 of 4 stars; one submission).

Conditions:
Muscular dystrophy-dystroglycanopathy (congenital with impaired intellectual development), type B, 14. Also called: Muscular dystrophy-dystroglycanopathy (congenital with intellectual disability), type B14; MUSCULAR DYSTROPHY, CONGENITAL, GMPPB-RELATED; Congenital muscular dystrophy-dystroglycanopathy with mental retardation, type B14. Identifiers: MedGen C3809221, MONDO:0014141, OMIM 615351.
Autosomal recessive limb-girdle muscular dystrophy type 2T. Also called: MUSCULAR DYSTROPHY-DYSTROGLYCANOPATHY, LIMB-GIRDLE, GMPPB-RELATED; MUSCULAR DYSTROPHY, LIMB-GIRDLE, TYPE 2T; Muscular dystrophy-dystroglycanopathy (limb-girdle), type c, 14; Limb-girdle muscular dystrophy-dystroglycanopathy, type C14. Identifiers: Orphanet 363623, MedGen C4518000, MONDO:0014142, OMIM 615352.
Muscular dystrophy-dystroglycanopathy (congenital with brain and eye anomalies), type A14. Also called: WALKER-WARBURG SYNDROME OR MUSCLE-EYE-BRAIN DISEASE, GMPPB-RELATED; Muscular dystrophy-dystroglycanopathy (congenital with brain and eye anomalies), type a, 14; Congenital Muscular Dystrophy-Dystroglycanopathy with Brain and Eye Anomalies Type A 14; Congenital muscular dystrophy-dystroglycanopathy with brain and eye anomalies, type A14. Identifiers: Orphanet 588, MedGen C3809216, MONDO:0014140, OMIM 615350.

Submission:

Labcorp Genetics (formerly Invitae), Labcorp
Classification: Pathogenic for Autosomal recessive limb-girdle muscular dystrophy type 2T; Muscular dystrophy-dystroglycanopathy (congenital with brain and eye anomalies), type A14; Muscular dystrophy-dystroglycanopathy (congenital with impaired intellectual development), type B, 14. Last evaluated: 2025-07-22. Review status: criteria provided, single submitter. Criteria: Invitae Variant Classification Sherloc (09022015). Collection method: clinical testing. Allele origin: germline.
Comment: This sequence change creates a premature translational stop signal (p.Cys149Valfs*30) in the GMPPB gene. It is expected to result in an absent or disrupted protein product. Loss-of-function variants in GMPPB are known to be pathogenic (PMID: 23768512, 26310427). This variant is not present in population databases (gnomAD no frequency). This variant has not been reported in the literature in individuals affected with GMPPB-related conditions. ClinVar contains an entry for this variant (Variation ID: 3750006). For these reasons, this variant has been classified as Pathogenic.

Literature cited by the submitters: PubMed 23768512; PubMed 26310427.